The following is an entry in ClinVar:

NM_194454.3(KRIT1):c.547C>G (p.Leu183Val)

Gene: KRIT1 (KRIT1 ankyrin repeat containing; minus strand). Cytogenetic location: 7q21.2.
Variant type: single nucleotide variant.
Coding change: c.547C>G on transcript NM_194454.3 (MANE Select); coding-DNA position 547, C replaced by G.
Protein change: p.Leu183Val; replaces leucine 183 with valine.
Molecular consequence: missense variant. On other transcripts: 5 prime UTR variant (1).
Genome position (GRCh38, 1-based): chr7:92,235,585, G>C on the plus strand (C>G on the coding strand, the complement: KRIT1 is on the minus strand). VCF-style: chr7-92235585-G-C. GRCh37 (hg19) VCF-style: chr7-91864899-G-C.
Other names: c.547C>G, p.Leu183Val (NM_001013406.2, NM_001350669.1, NM_001350670.1 and 29 more transcripts); c.-37C>G (NM_001350671.1); short protein forms L183V.
Identifiers: ClinVar variation 1690411 (VCV001690411.2), dbSNP rs1161802228, ClinGen allele CA368161187.

ClinVar aggregate classification (germline): Uncertain significance (1 of 4 stars; one submission).

Allele frequency attached by ClinVar (database versions not stated): TOPMed below 0.00001; gnomAD 0.00001.
gnomAD v4.1: 1 of 1,613,652 alleles (0.000062%); highest among the groups gnomAD compares: Non-Finnish European, 0.000085%; no homozygotes.

Submission:

Laboratorio de Genetica e Diagnostico Molecular, Hospital Israelita Albert Einstein
Classification: Uncertain significance. Last evaluated: 2021-07-06. Review status: criteria provided, single submitter. Criteria: ACMG Guidelines, 2015. Collection method: clinical testing. Allele origin: germline. Affected: yes.
Comment: ACMG classification criteria: PM2, BP4